The following is an entry in ClinVar:

NM_003919.3(SGCE):c.193_194del (p.Glu65fs)

Genes: CASD1 (CAS1 domain sialic acid O acetyltransferase 1; plus strand), SGCE (sarcoglycan epsilon; minus strand). Cytogenetic location: 7q21.3.
Variant type: Microsatellite.
Coding change: c.193_194del on transcript NM_003919.3 (MANE Select); coding-DNA positions 193 to 194, 2 bases deleted (GA; older notation c.193_194delGA).
Protein change: p.Glu65fs; shifts the reading frame from glutamic acid 65.
Molecular consequence: frameshift variant. On other transcripts: 5 prime UTR variant (2), intron variant (2).
Genome position (GRCh38, 1-based): chr7:94,629,757-94,629,758, TC deleted on the plus strand (GA on the coding strand, the reverse complement: SGCE is on the minus strand); deleting any 2 consecutive bases within chr7:94,629,757-94,629,761 gives the same sequence; the c. name uses the placement nearest the transcript's 3' end. VCF-style (leftmost placement, unchanged base first): chr7-94629756-TTC-T. GRCh37 (hg19) VCF-style: chr7-94259068-TTC-T.
Other names: c.193_194del, p.Glu65fs (NM_001099400.2, NM_001099401.2, NM_001346717.2); c.301_302del, p.Glu101fs (NM_001346713.2, NM_001346715.2); c.106_107del, p.Glu36fs (NM_001346719.2, NM_001362807.2); c.-83GA[1] (NM_001346720.2, NM_001362808.2); c.110-1399_110-1398del (NM_001362809.2, NM_001301139.2); short protein forms E101fs, E36fs, E65fs.
Identifiers: ClinVar variation 1420908 (VCV001420908.6), dbSNP rs2116972578, ClinGen allele CA2580615940.

ClinVar aggregate classification (germline): Pathogenic (1 of 4 stars; one submission).

Conditions:
Myoclonic dystonia 11 (DYT11). Also called: Myoclonic dystonia; Dystonia 11; Dystonia, alcohol responsive; Hereditary essential myoclonus; SGCE Myoclonus-Dystonia; Myoclonus-Dystonia. Identifiers: Orphanet 36899, MedGen C1834570, MONDO:0008044, OMIM 159900.

Submission:

Labcorp Genetics (formerly Invitae), Labcorp
Classification: Pathogenic for Myoclonic dystonia 11. Last evaluated: 2022-03-18. Review status: criteria provided, single submitter. Criteria: Invitae Variant Classification Sherloc (09022015). Collection method: clinical testing. Allele origin: germline.
Comment: For these reasons, this variant has been classified as Pathogenic. This variant has not been reported in the literature in individuals affected with SGCE-related conditions. This variant is not present in population databases (gnomAD no frequency). This sequence change creates a premature translational stop signal (p.Glu65Ilefs*3) in the SGCE gene. It is expected to result in an absent or disrupted protein product. Loss-of-function variants in SGCE are known to be pathogenic (PMID: 12821748, 15389977, 17853490, 24297365).

Literature cited by the submitters: PubMed 12821748; PubMed 15389977; PubMed 17853490; PubMed 24297365.